The following is an entry in ClinVar:

ClinVar aggregate classification (germline): Uncertain significance (1 of 4 stars; one submission).

Allele frequency attached by ClinVar (database versions not stated): gnomAD exomes 0.00001.
gnomAD v4.1: 11 of 1,611,840 alleles (0.00068%); highest among the groups gnomAD compares: African/African-American, 0.0013%; no homozygotes.

Submission:

Labcorp Genetics (formerly Invitae), Labcorp
Classification: Uncertain significance. Last evaluated: 2022-09-26. Review status: criteria provided, single submitter. Criteria: Invitae Variant Classification Sherloc (09022015). Collection method: clinical testing. Allele origin: germline.
Comment: This variant has not been reported in the literature in individuals affected with DGAT1-related conditions. This sequence change replaces alanine, which is neutral and non-polar, with threonine, which is neutral and polar, at codon 158 of the DGAT1 protein (p.Ala158Thr). This variant is not present in population databases (gnomAD no frequency). ClinVar contains an entry for this variant (Variation ID: 1502296). Advanced modeling of protein sequence and biophysical properties (such as structural, functional, and spatial information, amino acid conservation, physicochemical variation, residue mobility, and thermodynamic stability) performed at Invitae indicates that this missense variant is not expected to disrupt DGAT1 protein function. In summary, the available evidence is currently insufficient to determine the role of this variant in disease. Therefore, it has been classified as a Variant of Uncertain Significance.

NM_012079.6(DGAT1):c.472G>A (p.Ala158Thr)

Gene: DGAT1 (diacylglycerol O-acyltransferase 1; minus strand). Cytogenetic location: 8q24.3.
Variant type: single nucleotide variant.
Coding change: c.472G>A on transcript NM_012079.6 (MANE Select); coding-DNA position 472, G replaced by A.
Protein change: p.Ala158Thr; replaces alanine 158 with threonine.
Molecular consequence: missense variant.
Genome position (GRCh38, 1-based): chr8:144,318,563, C>T on the plus strand (G>A on the coding strand, the complement: DGAT1 is on the minus strand). VCF-style: chr8-144318563-C-T. GRCh37 (hg19) VCF-style: chr8-145542226-C-T.
Other names: short protein forms A158T.
Identifiers: ClinVar variation 1502296 (VCV001502296.6), dbSNP rs1554847676, ClinGen allele CA372612519.
Genomic context (GRCh38, chr8:144,318,563, plus strand): 5'-AACACAGAATGGTGGCCAGGTTGGCCACGTGCAGCAGCAGTCCCGCCTGCTCCGTCAGGG[C>T]ACCCTGGAGTGGGGAGCAGAGCACTCAACCAGGGCTCCCATTGCCTGGGAGAGGGCTGCC-3'
Protein context (NP_036211.2, residues 148-168): FQVEKRLAVG[Ala158Thr]LTEQAGLLLH